The following is an entry in ClinVar:

NM_002796.3(PSMB4):c.454T>A (p.Trp152Arg)

Gene: PSMB4 (proteasome 20S subunit beta 4; plus strand). Cytogenetic location: 1q21.3.
Variant type: single nucleotide variant.
Coding change: c.454T>A on transcript NM_002796.3 (MANE Select); coding-DNA position 454, T replaced by A.
Protein change: p.Trp152Arg; replaces tryptophan 152 with arginine.
Molecular consequence: missense variant.
Genome position (GRCh38, 1-based): chr1:151,400,548, T>A. VCF-style: chr1-151400548-T-A. GRCh37 (hg19) VCF-style: chr1-151373024-T-A.
Other names: short protein forms W152R.
Identifiers: ClinVar variation 1461693 (VCV001461693.8), dbSNP rs2102121872, ClinGen allele CA341924511.
Genomic context (GRCh38, chr1:151,400,548, plus strand): 5'-GCTATTCATTCATGGCTGACCAGGGCCATGTACAGCCGGCGCTCGAAGATGAACCCTTTG[T>A]GGAACACCATGGTCATCGGAGGCTATGCTGATGGAGAGAGGTTCATATGAATACAAATAA-3'
Protein context (NP_002787.2, residues 142-162): YSRRSKMNPL[Trp152Arg]NTMVIGGYAD

ClinVar aggregate classification (germline): Uncertain significance (1 of 4 stars; one submission).

Submission:

Labcorp Genetics (formerly Invitae), Labcorp
Classification: Uncertain significance. Last evaluated: 2021-01-18. Review status: criteria provided, single submitter. Criteria: Invitae Variant Classification Sherloc (09022015). Collection method: clinical testing. Allele origin: germline.
Comment: This sequence change replaces tryptophan with arginine at codon 152 of the PSMB4 protein (p.Trp152Arg). The tryptophan residue is highly conserved and there is a moderate physicochemical difference between tryptophan and arginine. This variant is not present in population databases (ExAC no frequency). This variant has not been reported in the literature in individuals with PSMB4-related conditions. Algorithms developed to predict the effect of missense changes on protein structure and function (SIFT, PolyPhen-2, Align-GVGD) all suggest that this variant is likely to be disruptive, but these predictions have not been confirmed by published functional studies and their clinical significance is uncertain. In summary, the available evidence is currently insufficient to determine the role of this variant in disease. Therefore, it has been classified as a Variant of Uncertain Significance.